The following is an entry in ClinVar:

NM_014727.3(KMT2B):c.1119_1124del (p.Glu373_Lys374del)

Gene: KMT2B (lysine methyltransferase 2B; plus strand). Cytogenetic location: 19q13.12.
Variant type: Deletion.
Coding change: c.1119_1124del on transcript NM_014727.3 (MANE Select); coding-DNA positions 1119 to 1124, 6 bases deleted (AAAAGA; older notation c.1119_1124delAAAAGA).
Protein change: p.Glu373_Lys374del.
Molecular consequence: inframe deletion.
Genome position (GRCh38, 1-based): chr19:35,720,466-35,720,471, AAAAGA deleted; deleting any 6 consecutive bases within chr19:35,720,462-35,720,471 gives the same sequence; the c. name uses the placement nearest the transcript's 3' end. VCF-style (leftmost placement, unchanged base first): chr19-35720461-GAAGAAA-G. GRCh37 (hg19) VCF-style: chr19-36211363-GAAGAAA-G.
Identifiers: ClinVar variation 1804280 (VCV001804280.1), dbSNP rs1969140163, ClinGen allele CA995476170.

ClinVar aggregate classification (germline): Uncertain significance (1 of 4 stars; one submission).

Submission:

GeneDx
Classification: Uncertain significance. Last evaluated: 2022-06-13. Review status: criteria provided, single submitter. Criteria: GeneDx Variant Classification Process June 2021. Collection method: clinical testing. Allele origin: germline. Affected: yes.
Comment: Not observed at significant frequency in large population cohorts (gnomAD); In-frame deletion of 2 amino acids in a non-repeat region; In silico analysis supports that this variant does not alter protein structure/function; Has not been previously published as pathogenic or benign to our knowledge